The following is an entry in ClinVar:

ClinVar aggregate classification (germline): Uncertain significance. Review status: criteria provided, multiple submitters, no conflicts (2 of 4 stars). 3 submissions from 3 submitters: Uncertain significance (3). Last evaluated 2025-09-26.

Conditions:
Hereditary cancer-predisposing syndrome. Also called: Hereditary Cancer Syndrome; Hereditary neoplastic syndrome; Neoplastic Syndromes, Hereditary; Tumor predisposition. Identifiers: Orphanet 140162, MedGen C0027672, MeSH D009386, MONDO:0015356.
Oligodontia-cancer predisposition syndrome. Also called: TOOTH AGENESIS-COLORECTAL CANCER SYNDROME. Identifiers: Orphanet 300576, MedGen C1837750, MONDO:0012075, OMIM 608615. Disease mechanism: loss of function.

Submissions (3):

Ambry Genetics
Classification: Uncertain significance for Hereditary cancer-predisposing syndrome. Last evaluated: 2025-09-26. Review status: criteria provided, single submitter. Criteria: Ambry Variant Classification Scheme 2023. Collection method: clinical testing. Allele origin: germline.
Comment: The p.T437R variant (also known as c.1310C>G), located in coding exon 5 of the AXIN2 gene, results from a C to G substitution at nucleotide position 1310. The threonine at codon 437 is replaced by arginine, an amino acid with similar properties. This amino acid position is conserved. In addition, this alteration is predicted to be tolerated by in silico analysis. Based on the available evidence, the clinical significance of this variant remains unclear.

Quest Diagnostics Nichols Institute San Juan Capistrano
Classification: Uncertain significance. Last evaluated: 2024-03-29. Review status: criteria provided, single submitter. Criteria: Quest Diagnostics criteria. Collection method: clinical testing. Allele origin: unknown.
Comment: The AXIN2 c.1310C>G (p.Thr437Arg) variant has not been reported in individuals with AXIN2-related conditions in the published literature. It also has not been reported in large, multi-ethnic general populations (Genome Aggregation Database). Analysis of this variant using bioinformatics tools for the prediction of the effect of amino acid changes on protein structure and function yielded predictions that this variant is benign. Based on the available information, we are unable to determine the clinical significance of this variant.

Labcorp Genetics (formerly Invitae), Labcorp
Classification: Uncertain significance for Oligodontia-cancer predisposition syndrome. Last evaluated: 2023-03-20. Review status: criteria provided, single submitter. Criteria: Invitae Variant Classification Sherloc (09022015). Collection method: clinical testing. Allele origin: germline.
Comment: This variant is not present in population databases (gnomAD no frequency). This variant has not been reported in the literature in individuals affected with AXIN2-related conditions. Advanced modeling of protein sequence and biophysical properties (such as structural, functional, and spatial information, amino acid conservation, physicochemical variation, residue mobility, and thermodynamic stability) performed at Invitae indicates that this missense variant is not expected to disrupt AXIN2 protein function. In summary, the available evidence is currently insufficient to determine the role of this variant in disease. Therefore, it has been classified as a Variant of Uncertain Significance. This sequence change replaces threonine, which is neutral and polar, with arginine, which is basic and polar, at codon 437 of the AXIN2 protein (p.Thr437Arg).

NM_004655.4(AXIN2):c.1310C>G (p.Thr437Arg)

Gene: AXIN2 (axin 2; minus strand). Cytogenetic location: 17q24.1.
Variant type: single nucleotide variant.
Coding change: c.1310C>G on transcript NM_004655.4 (MANE Select); coding-DNA position 1310, C replaced by G.
Protein change: p.Thr437Arg; replaces threonine 437 with arginine.
Molecular consequence: missense variant.
Genome position (GRCh38, 1-based): chr17:65,537,726, G>C on the plus strand (C>G on the coding strand, the complement: AXIN2 is on the minus strand). VCF-style: chr17-65537726-G-C. GRCh37 (hg19) VCF-style: chr17-63533844-G-C.
Other names: c.1310C>G, p.Thr437Arg (NM_001363813.1); short protein forms T437R.
Identifiers: ClinVar variation 2999750 (VCV002999750.5), dbSNP rs2043959278, ClinGen allele CA400677760.